The following is an entry in ClinVar:

NM_001128178.3(NPHP1):c.1190G>T (p.Gly397Val)

Gene: NPHP1 (nephrocystin 1; minus strand). Cytogenetic location: 2q13.
Variant type: single nucleotide variant.
Coding change: c.1190G>T on transcript NM_001128178.3 (MANE Select); coding-DNA position 1190, G replaced by T.
Protein change: p.Gly397Val; replaces glycine 397 with valine.
Molecular consequence: missense variant.
Genome position (GRCh38, 1-based): chr2:110,147,995, C>A on the plus strand (G>T on the coding strand, the complement: NPHP1 is on the minus strand). VCF-style: chr2-110147995-C-A. GRCh37 (hg19) VCF-style: chr2-110905572-C-A.
Other names: c.1358G>T, p.Gly453Val (NM_000272.5); c.1001G>T, p.Gly334Val (NM_001128179.3); c.1187G>T, p.Gly396Val (NM_001374256.1); c.1190G>T, p.Gly397Val (NM_001374257.1); c.1355G>T, p.Gly452Val (NM_207181.4); c.1358G>T (NM_000272.3); short protein forms G397V, G334V, G396V, G452V, G453V.
Identifiers: ClinVar variation 1373590 (VCV001373590.5), dbSNP rs1681189257, ClinGen allele CA348087955.
Genomic context (GRCh38, chr2:110,147,995, plus strand): 5'-CCAAGTTCAAATAATATTCCAAGATCTGGAGATGCAGAATTAGACCTGATAAAGCAATCA[C>A]CATCAAGCAAACATGGTAAGATGCGAGTAACCTGAAATGATAAAGAAATTAAAGTTATTG-3'
Protein context (NP_001121650.1, residues 387-407): VTRILPCLLD[Gly397Val]DCFIRSNSAS

ClinVar aggregate classification (germline): Uncertain significance. Review status: criteria provided, multiple submitters, no conflicts (2 of 4 stars). 2 submissions from 2 submitters: Uncertain significance (2). Last evaluated 2025-09-01.

Conditions:
Inborn genetic diseases. Identifiers: MedGen C0950123, MeSH D030342.
Nephronophthisis. Also called: Juvenile Nephronophthisis. Identifiers: Orphanet 655, MedGen C0687120, MONDO:0019005, HP:0000090.

Allele frequency attached by ClinVar (database versions not stated): TOPMed below 0.00001.

Submissions (2):

Ambry Genetics
Classification: Uncertain significance for Inborn genetic diseases. Last evaluated: 2025-09-01. Review status: criteria provided, single submitter. Criteria: Ambry Variant Classification Scheme 2023. Collection method: clinical testing. Allele origin: germline.

Labcorp Genetics (formerly Invitae), Labcorp
Classification: Uncertain significance for Nephronophthisis. Last evaluated: 2023-08-30. Review status: criteria provided, single submitter. Criteria: Invitae Variant Classification Sherloc (09022015). Collection method: clinical testing. Allele origin: germline.
Comment: This sequence change replaces glycine, which is neutral and non-polar, with valine, which is neutral and non-polar, at codon 453 of the NPHP1 protein (p.Gly453Val). This variant is not present in population databases (gnomAD no frequency). This variant has not been reported in the literature in individuals affected with NPHP1-related conditions. ClinVar contains an entry for this variant (Variation ID: 1373590). Advanced modeling of protein sequence and biophysical properties (such as structural, functional, and spatial information, amino acid conservation, physicochemical variation, residue mobility, and thermodynamic stability) has been performed at Invitae for this missense variant, however the output from this modeling did not meet the statistical confidence thresholds required to predict the impact of this variant on NPHP1 protein function. Algorithms developed to predict the effect of sequence changes on RNA splicing suggest that this variant may disrupt the consensus splice site. In summary, the available evidence is currently insufficient to determine the role of this variant in disease. Therefore, it has been classified as a Variant of Uncertain Significance.